The following is an entry in ClinVar:

NM_003848.4(SUCLG2):c.633A>G (p.Leu211=)

Gene: SUCLG2 (succinate-CoA ligase GDP-forming subunit beta; minus strand). Cytogenetic location: 3p14.1.
Variant type: single nucleotide variant.
Coding change: c.633A>G on transcript NM_003848.4 (MANE Select); coding-DNA position 633, A replaced by G.
Protein change: p.Leu211=; no amino-acid change (leucine 211 retained).
Molecular consequence: synonymous variant.
Genome position (GRCh38, 1-based): chr3:67,518,274, T>C on the plus strand (A>G on the coding strand, the complement: SUCLG2 is on the minus strand). VCF-style: chr3-67518274-T-C. GRCh37 (hg19) VCF-style: chr3-67568698-T-C.
Other names: c.633A>G, p.Leu211= (NM_001177599.2).
Identifiers: ClinVar variation 717833 (VCV000717833.11), dbSNP rs115053242, ClinGen allele CA2485950.

ClinVar aggregate classification (germline): Benign. Review status: criteria provided, multiple submitters, no conflicts (2 of 4 stars). 3 submissions from 3 submitters: Benign (2). 1 of the submissions does not count toward it. Last evaluated 2025-12-21.

Conditions:
SUCLG2-related disorder. Also called: SUCLG2-related condition.

Allele frequency attached by ClinVar (database versions not stated): gnomAD exomes 0.00013 and 0.00044; ExAC 0.00058; gnomAD 0.00153 and 0.00154; ESP Exome Variant Server 0.00167; TOPMed 0.00168; 1000 Genomes Project 0.00379; 1000 Genomes Project 30x 0.00453.
gnomAD v4.1: 442 of 1,612,808 alleles (0.027%); highest among the groups gnomAD compares: African/African-American, 0.51%; no homozygotes.

Submissions (3):

Labcorp Genetics (formerly Invitae), Labcorp
Classification: Benign. Last evaluated: 2025-12-21. Review status: criteria provided, single submitter. Criteria: Invitae Variant Classification Sherloc (09022015). Collection method: clinical testing. Allele origin: germline.

Breakthrough Genomics
Classification: Benign. Review status: criteria provided, single submitter. Criteria: ACMG Guidelines, 2015. Collection method: not provided. Allele origin: germline. Inheritance: Unknown mechanism. Affected: yes.

PreventionGenetics, part of Exact Sciences
Classification: Likely benign for SUCLG2-related condition. Last evaluated: 2019-06-03. Review status: no assertion criteria provided. Collection method: clinical testing. Allele origin: germline. Not counted in ClinVar's aggregate classification.
Comment: This variant is classified as likely benign based on ACMG/AMP sequence variant interpretation guidelines (Richards et al. 2015 PMID: 25741868, with internal and published modifications).